The following is an entry in ClinVar:

ClinVar aggregate classification (germline): Uncertain significance (1 of 4 stars; one submission).

Conditions:
BBS12-related disorder. Also called: BBS12-related condition.

gnomAD v4.1: 6 of 1,614,186 alleles (0.00037%); highest among the groups gnomAD compares: African/African-American, 0.0053%; no homozygotes.

Submission:

PreventionGenetics, part of Exact Sciences
Classification: Uncertain significance for BBS12-related condition. Last evaluated: 2026-06-30. Review status: criteria provided, single submitter. Criteria: ACMG Guidelines, 2015. Collection method: clinical testing. Allele origin: germline.
Comment: The BBS12 c.914C>A variant is predicted to result in the amino acid substitution p.Thr305Lys. To our knowledge, this variant has not been reported in the literature. This variant is reported in 0.0080% of alleles in individuals of African descent in gnomAD. At this time, the clinical significance of this variant is uncertain due to the absence of conclusive functional and genetic evidence.

NM_152618.3(BBS12):c.914C>A (p.Thr305Lys)

Gene: BBS12 (Bardet-Biedl syndrome 12; plus strand). Cytogenetic location: 4q27.
Variant type: single nucleotide variant.
Coding change: c.914C>A on transcript NM_152618.3 (MANE Select); coding-DNA position 914, C replaced by A.
Protein change: p.Thr305Lys; replaces threonine 305 with lysine.
Molecular consequence: missense variant.
Genome position (GRCh38, 1-based): chr4:122,742,806, C>A. VCF-style: chr4-122742806-C-A. GRCh37 (hg19) VCF-style: chr4-123663961-C-A.
Other names: c.914C>A, p.Thr305Lys (NM_001178007.2); short protein forms T305K.
Identifiers: ClinVar variation 4996528 (VCV004996528.1).